The following is an entry in ClinVar:

ClinVar aggregate classification (germline): Benign/Likely benign. Review status: criteria provided, multiple submitters, no conflicts (2 of 4 stars). 4 submissions from 4 submitters: Benign (2); Likely benign (2). Last evaluated 2026-02-01.

Allele frequency attached by ClinVar (database versions not stated): gnomAD exomes 0.00040 and 0.00098; ExAC 0.00127; gnomAD 0.00361 and 0.00393; 1000 Genomes Project 0.00399; TOPMed 0.00436; 1000 Genomes Project 30x 0.00453; ESP Exome Variant Server 0.00517.
gnomAD v4.1: 1,165 of 1,611,956 alleles (0.072%); highest among the groups gnomAD compares: African/African-American, 1.4%; 11 homozygotes.

Submissions (4):

CeGaT Center for Human Genetics Tuebingen
Classification: Likely benign. Last evaluated: 2026-02-01. Review status: criteria provided, single submitter. Criteria: CeGaT Center For Human Genetics Tuebingen Variant Classification Criteria Version 2. Collection method: clinical testing. Allele origin: germline. Affected: yes. Observed: 3 variant alleles.
Comment: HERC2: BP4, BP7, BS1

Blueprint Genetics
Classification: Likely benign. Last evaluated: 2024-11-14. Review status: criteria provided, single submitter. Criteria: ACMG Guidelines, 2015. Collection method: clinical testing. Allele origin: germline.

Labcorp Genetics (formerly Invitae), Labcorp
Classification: Benign. Last evaluated: 2019-12-31. Review status: criteria provided, single submitter. Criteria: Invitae Variant Classification Sherloc (09022015). Collection method: clinical testing. Allele origin: germline.

Breakthrough Genomics
Classification: Benign. Review status: criteria provided, single submitter. Criteria: ACMG Guidelines, 2015. Collection method: not provided. Allele origin: germline. Inheritance: Autosomal recessive inheritance. Affected: yes.

NM_004667.6(HERC2):c.3798G>A (p.Gln1266=)

Gene: HERC2 (HECT and RLD domain containing E3 ubiquitin protein ligase 2; minus strand). Cytogenetic location: 15q13.1.
Variant type: single nucleotide variant.
Coding change: c.3798G>A on transcript NM_004667.6 (MANE Select); coding-DNA position 3798, G replaced by A.
Protein change: p.Gln1266=; no amino-acid change (glutamine 1266 retained).
Molecular consequence: synonymous variant.
Genome position (GRCh38, 1-based): chr15:28,238,168, C>T on the plus strand (G>A on the coding strand, the complement: HERC2 is on the minus strand). VCF-style: chr15-28238168-C-T. GRCh37 (hg19) VCF-style: chr15-28483314-C-T.
Identifiers: ClinVar variation 711952 (VCV000711952.12), dbSNP rs143130515, ClinGen allele CA7442818.
Genomic context (GRCh38, chr15:28,238,168, plus strand): 5'-CCTCACCTCCAAATACTGGCCAACACAAAACGCGTGCATGGATTCCCGGGTGTCTTCAAA[C>T]TGCAAAGCAGCTTCCAAAGCTACCACTGGGTCTTCCCCTGCAAACTGAGCTGAAACAAAA-3'
Protein context (NP_004658.3, residues 1256-1276): DPVVALEAAL[Gln1266=]FEDTRESMHA